The following is an entry in ClinVar:

NM_031220.4(PITPNM3):c.1283G>A (p.Ser428Asn)

Gene: PITPNM3 (PITPNM family member 3; minus strand). Cytogenetic location: 17p13.2.
Variant type: single nucleotide variant.
Coding change: c.1283G>A on transcript NM_031220.4 (MANE Select); coding-DNA position 1283, G replaced by A.
Protein change: p.Ser428Asn; replaces serine 428 with asparagine.
Molecular consequence: missense variant.
Genome position (GRCh38, 1-based): chr17:6,472,803, C>T on the plus strand (G>A on the coding strand, the complement: PITPNM3 is on the minus strand). VCF-style: chr17-6472803-C-T. GRCh37 (hg19) VCF-style: chr17-6376123-C-T.
Other names: c.1175G>A, p.Ser392Asn (NM_001165966.2); short protein forms S392N, S428N.
Identifiers: ClinVar variation 962920 (VCV000962920.9), dbSNP rs1246151536, ClinGen allele CA397406229.

ClinVar aggregate classification (germline): Uncertain significance (1 of 4 stars; one submission).

Allele frequency attached by ClinVar (database versions not stated): gnomAD 0.00001; gnomAD exomes 0.00001; TOPMed 0.00001.
gnomAD v4.1: 13 of 1,614,030 alleles (0.00081%); highest among the groups gnomAD compares: Non-Finnish European, 0.00093%; no homozygotes.

Submission:

Labcorp Genetics (formerly Invitae), Labcorp
Classification: Uncertain significance. Last evaluated: 2025-03-05. Review status: criteria provided, single submitter. Criteria: Invitae Variant Classification Sherloc (09022015). Collection method: clinical testing. Allele origin: germline.
Comment: This sequence change replaces serine, which is neutral and polar, with asparagine, which is neutral and polar, at codon 428 of the PITPNM3 protein (p.Ser428Asn). This variant is not present in population databases (gnomAD no frequency). This variant has not been reported in the literature in individuals affected with PITPNM3-related conditions. ClinVar contains an entry for this variant (Variation ID: 962920). Invitae Evidence Modeling of protein sequence and biophysical properties (such as structural, functional, and spatial information, amino acid conservation, physicochemical variation, residue mobility, and thermodynamic stability) indicates that this missense variant is not expected to disrupt PITPNM3 protein function with a negative predictive value of 80%. In summary, the available evidence is currently insufficient to determine the role of this variant in disease. Therefore, it has been classified as a Variant of Uncertain Significance.